The following is an entry in ClinVar:

NM_018136.5(ASPM):c.7726C>T (p.Leu2576Phe)

Gene: ASPM (assembly factor for spindle microtubules; minus strand). Cytogenetic location: 1q31.3.
Variant type: single nucleotide variant.
Coding change: c.7726C>T on transcript NM_018136.5 (MANE Select); coding-DNA position 7726, C replaced by T.
Protein change: p.Leu2576Phe; replaces leucine 2576 with phenylalanine.
Molecular consequence: missense variant. On other transcripts: intron variant (1).
Genome position (GRCh38, 1-based): chr1:197,101,525, G>A on the plus strand (C>T on the coding strand, the complement: ASPM is on the minus strand). VCF-style: chr1-197101525-G-A. GRCh37 (hg19) VCF-style: chr1-197070655-G-A.
Other names: c.4066-5361C>T (NM_001206846.2); c.7726C>T (NM_018136.4); short protein forms L2576F.
Identifiers: ClinVar variation 1357428 (VCV001357428.10), dbSNP rs780755563, ClinGen allele CA1309347.

ClinVar aggregate classification (germline): Uncertain significance. Review status: criteria provided, multiple submitters, no conflicts (2 of 4 stars). 2 submissions from 2 submitters: Uncertain significance (2). Last evaluated 2025-02-14.

Conditions:
Inborn genetic diseases. Identifiers: MedGen C0950123, MeSH D030342.

Allele frequency attached by ClinVar (database versions not stated): gnomAD exomes 0.00002 and 0.00008; ExAC 0.00003; gnomAD 0.00003 and 0.00004; TOPMed 0.00005.

Submissions (2):

Ambry Genetics
Classification: Uncertain significance for Inborn genetic diseases. Last evaluated: 2025-02-14. Review status: criteria provided, single submitter. Criteria: Ambry Variant Classification Scheme 2023. Collection method: clinical testing. Allele origin: germline.

Labcorp Genetics (formerly Invitae), Labcorp
Classification: Uncertain significance. Last evaluated: 2024-09-05. Review status: criteria provided, single submitter. Criteria: Invitae Variant Classification Sherloc (09022015). Collection method: clinical testing. Allele origin: germline.
Comment: This sequence change replaces leucine, which is neutral and non-polar, with phenylalanine, which is neutral and non-polar, at codon 2576 of the ASPM protein (p.Leu2576Phe). This variant is present in population databases (rs780755563, gnomAD 0.005%). This variant has not been reported in the literature in individuals affected with ASPM-related conditions. ClinVar contains an entry for this variant (Variation ID: 1357428). Invitae Evidence Modeling of protein sequence and biophysical properties (such as structural, functional, and spatial information, amino acid conservation, physicochemical variation, residue mobility, and thermodynamic stability) indicates that this missense variant is not expected to disrupt ASPM protein function with a negative predictive value of 80%. In summary, the available evidence is currently insufficient to determine the role of this variant in disease. Therefore, it has been classified as a Variant of Uncertain Significance.